The following is an entry in ClinVar:

NM_178857.6(RP1L1):c.2732G>T (p.Ser911Ile)

Gene: RP1L1 (RP1 like 1). Cytogenetic location: 8p23.1.
Variant type: single nucleotide variant.
Coding change: c.2732G>T on transcript NM_178857.6 (MANE Select); coding-DNA position 2732, G replaced by T.
Protein change: p.Ser911Ile; replaces serine 911 with isoleucine.
Molecular consequence: missense variant.
Genome position (GRCh38, 1-based): chr8:10,611,366, C>A on the plus strand (G>T on the coding strand, the complement: RP1L1 is on the minus strand). VCF-style: chr8-10611366-C-A. GRCh37 (hg19) VCF-style: chr8-10468876-C-A.
Other names: short protein forms S911I.
Identifiers: ClinVar variation 361336 (VCV000361336.30), dbSNP rs757352407, ClinGen allele CA4624726.

ClinVar aggregate classification (germline): Conflicting classifications of pathogenicity. Review status: criteria provided, conflicting classifications (1 of 4 stars). 5 submissions from 5 submitters: Uncertain significance (4); Likely benign (1). Last evaluated 2026-07-01.

Conditions:
Inborn genetic diseases. Identifiers: MedGen C0950123, MeSH D030342.
Occult macular dystrophy (OCMD). Also called: OMD; OCCULT MACULAR DYSTROPHY, SUSCEPTIBILITY TO. Identifiers: Orphanet 247834, MedGen C3150833, MONDO:0013316, OMIM 613587, HP:0030636.
RP1L1-related disorder. Also called: RP1L1-related condition.

Allele frequency attached by ClinVar (database versions not stated): ExAC 0.00003; TOPMed 0.00004; gnomAD 0.00010.
gnomAD v4.1: 232 of 1,610,310 alleles (0.014%); highest among the groups gnomAD compares: Non-Finnish European, 0.019%; no homozygotes.

Submissions (5):

PreventionGenetics, part of Exact Sciences
Classification: Uncertain significance for RP1L1-related condition. Last evaluated: 2026-07-01. Review status: criteria provided, single submitter. Criteria: ACMG Guidelines, 2015. Collection method: clinical testing. Allele origin: germline.
Comment: The RP1L1 c.2732G>T variant is predicted to result in the amino acid substitution p.Ser911Ile. To our knowledge, this variant has not been reported in the literature. This variant is reported in 0.011% of alleles in individuals of European (Non-Finnish) descent in gnomAD. At this time, the clinical significance of this variant is uncertain due to the absence of conclusive functional and genetic evidence.

Ambry Genetics
Classification: Uncertain significance for Inborn genetic diseases. Last evaluated: 2025-08-28. Review status: criteria provided, single submitter. Criteria: Ambry Variant Classification Scheme 2023. Collection method: clinical testing. Allele origin: germline.

CeGaT Center for Human Genetics Tuebingen
Classification: Uncertain significance. Last evaluated: 2024-01-01. Review status: criteria provided, single submitter. Criteria: CeGaT Center For Human Genetics Tuebingen Variant Classification Criteria Version 2. Collection method: clinical testing. Allele origin: germline. Affected: yes. Observed: 1 variant allele.
Comment: RP1L1: PM2, BP4

Blueprint Genetics
Classification: Uncertain significance. Last evaluated: 2022-03-01. Review status: criteria provided, single submitter. Criteria: ACMG Guidelines, 2015. Collection method: clinical testing. Allele origin: germline.

Illumina Laboratory Services, Illumina
Classification: Likely benign for Occult macular dystrophy. Last evaluated: 2018-01-13. Review status: criteria provided, single submitter. Criteria: ICSL Variant Classification Criteria 13 December 2019. Collection method: clinical testing. Allele origin: germline.
Comment: This variant was observed in the ICSL laboratory as part of a predisposition screen in an ostensibly healthy population. It had not been previously curated by ICSL or reported in the Human Gene Mutation Database (HGMD: prior to June 1st, 2018), and was therefore a candidate for classification through an automated scoring system. Utilizing variant allele frequency, disease prevalence and penetrance estimates, and inheritance mode, an automated score was calculated to assess if this variant is too frequent to cause the disease. Based on the score and internal cut-off values, a variant classified as likely benign is not then subjected to further curation. The score for this variant resulted in a classification of likely benign for this disease.